The following is an entry in ClinVar:

ClinVar aggregate classification (germline): Benign/Likely benign. Review status: criteria provided, multiple submitters, no conflicts (2 of 4 stars). 2 submissions from 2 submitters: Benign (1); Likely benign (1). Last evaluated 2025-05-19.

Conditions:
Hereditary cancer-predisposing syndrome. Also called: Tumor predisposition; Neoplastic Syndromes, Hereditary; Hereditary Cancer Syndrome; Hereditary neoplastic syndrome. Identifiers: Orphanet 140162, MedGen C0027672, MeSH D009386, MONDO:0015356.
Tuberous sclerosis 1 (TSC1). Identifiers: Orphanet 805, MedGen C1854465, MONDO:0008612, OMIM 191100.

Submissions (2):

Ambry Genetics
Classification: Likely benign for Hereditary cancer-predisposing syndrome. Last evaluated: 2025-05-19. Review status: criteria provided, single submitter. Criteria: Ambry Variant Classification Scheme 2023. Collection method: clinical testing. Allele origin: germline.

Myriad Genetics, Inc.
Classification: Benign for Tuberous sclerosis 1. Last evaluated: 2025-04-28. Review status: criteria provided, single submitter. Criteria: Myriad Autosomal Dominant, Autosomal Recessive and X-Linked Classification Criteria (2023). Collection method: clinical testing. Allele origin: unknown.
Comment: This variant is considered benign. This variant is a silent/synonymous amino acid change and it is not expected to impact splicing.

NM_000368.5(TSC1):c.2596C>T (p.Leu866=)

Gene: TSC1 (TSC complex subunit 1; minus strand). Cytogenetic location: 9q34.13.
Variant type: single nucleotide variant.
Coding change: c.2596C>T on transcript NM_000368.5 (MANE Select); coding-DNA position 2596, C replaced by T.
Protein change: p.Leu866=; no amino-acid change (leucine 866 retained).
Molecular consequence: synonymous variant. On other transcripts: non-coding transcript variant (5).
Genome position (GRCh38, 1-based): chr9:132,900,744, G>A on the plus strand (C>T on the coding strand, the complement: TSC1 is on the minus strand). VCF-style: chr9-132900744-G-A. GRCh37 (hg19) VCF-style: chr9-135776131-G-A.
Other names: c.2593C>T, p.Leu865= (NM_001162426.2, NM_001406597.1, NM_001406598.1 and 2 more transcripts); c.2443C>T, p.Leu815= (NM_001162427.2, NM_001406610.1); c.2233C>T, p.Leu745= (NM_001362177.2, NM_001406614.1, NM_001406615.1 and 4 more transcripts); c.2596C>T, p.Leu866= (NM_001406592.1, NM_001406593.1, NM_001406594.1 and 2 more transcripts); c.2581C>T, p.Leu861= (NM_001406601.1, NM_001406602.1); c.2578C>T, p.Leu860= (NM_001406603.1, NM_001406604.1); c.2554C>T, p.Leu852= (NM_001406605.1, NM_001406606.1, NM_001406607.1); c.2551C>T, p.Leu851= (NM_001406608.1, NM_001406609.1); and 8 more.
Identifiers: ClinVar variation 3974521 (VCV003974521.2).